The following is an entry in ClinVar:

NM_001018005.2(TPM1):c.826C>G (p.His276Asp)

Gene: TPM1 (tropomyosin 1; plus strand). Cytogenetic location: 15q22.2.
Variant type: single nucleotide variant.
Coding change: c.826C>G on transcript NM_001018005.2 (MANE Select); coding-DNA position 826, C replaced by G.
Protein change: p.His276Asp; replaces histidine 276 with aspartic acid.
Molecular consequence: missense variant. On other transcripts: intron variant (12).
Genome position (GRCh38, 1-based): chr15:63,064,117, C>G. VCF-style: chr15-63064117-C-G. GRCh37 (hg19) VCF-style: chr15-63356316-C-G.
Other names: c.826C>G, p.His276Asp (NM_000366.6, NM_001301244.2, NM_001365779.1); c.718C>G, p.His240Asp (NM_001330346.2, NM_001365781.2, NM_001365782.1); c.898+1472C>G (NM_001365778.1); c.772+1472C>G (NM_001018020.2, NM_001018007.2, NM_001018006.2 and 3 more transcripts); c.664+1472C>G (NM_001330351.2, NM_001330344.2, NM_001018008.2 and 2 more transcripts); short protein forms H276D, H240D.
Identifiers: ClinVar variation 1384610 (VCV001384610.6), dbSNP rs2140992472, ClinGen allele CA392725181.

ClinVar aggregate classification (germline): Uncertain significance (1 of 4 stars; one submission).

Conditions:
Hypertrophic cardiomyopathy. Also called: HYPERTROPHIC MYOCARDIOPATHY. Identifiers: Orphanet 217569, MedGen C0007194, MeSH D002312, MONDO:0005045, HP:0001639.

Submission:

Labcorp Genetics (formerly Invitae), Labcorp
Classification: Uncertain significance for Hypertrophic cardiomyopathy. Last evaluated: 2025-10-13. Review status: criteria provided, single submitter. Criteria: Invitae Variant Classification Sherloc (09022015). Collection method: clinical testing. Allele origin: germline.
Comment: This sequence change replaces histidine, which is basic and polar, with aspartic acid, which is acidic and polar, at codon 276 of the TPM1 protein (p.His276Asp). This variant is not present in population databases (gnomAD no frequency). This variant has not been reported in the literature in individuals affected with TPM1-related conditions. ClinVar contains an entry for this variant (Variation ID: 1384610). An algorithm developed to predict the effect of missense changes on protein structure and function (PolyPhen-2) suggests that this variant is likely to be tolerated. In summary, the available evidence is currently insufficient to determine the role of this variant in disease. Therefore, it has been classified as a Variant of Uncertain Significance.